The following is an entry in ClinVar:

NM_000548.5(TSC2):c.3391A>G (p.Met1131Val)

Gene: TSC2 (TSC complex subunit 2; plus strand). Cytogenetic location: 16p13.3.
Variant type: single nucleotide variant.
Coding change: c.3391A>G on transcript NM_000548.5 (MANE Select); coding-DNA position 3391, A replaced by G.
Protein change: p.Met1131Val; replaces methionine 1131 with valine.
Molecular consequence: missense variant.
Genome position (GRCh38, 1-based): chr16:2,079,663, A>G. VCF-style: chr16-2079663-A-G. GRCh37 (hg19) VCF-style: chr16-2129664-A-G.
Other names: c.3259A>G, p.Met1087Val (NM_001077183.3, NM_001370404.1); c.3391A>G, p.Met1131Val (NM_001114382.3); c.3151A>G, p.Met1051Val (NM_001318827.2); c.3115A>G, p.Met1039Val (NM_001318829.2); c.2659A>G, p.Met887Val (NM_001318831.2); c.3292A>G, p.Met1098Val (NM_001318832.2); c.3262A>G, p.Met1088Val (NM_001363528.2, NM_001370405.1, NM_021055.3); short protein forms M1131V, M1039V, M1098V, M1051V, M1088V, M1087V, M887V.
Identifiers: ClinVar variation 406099 (VCV000406099.25), dbSNP rs775639244, ClinGen allele CA16614772.

ClinVar aggregate classification (germline): Conflicting classifications of pathogenicity. Review status: criteria provided, conflicting classifications (1 of 4 stars). 8 submissions from 8 submitters: Uncertain significance (5); Benign (1); Likely benign (2). Last evaluated 2025-11-11.

Conditions:
TSC2-related disorder. Also called: TSC2-Related Disorders; TSC2-related condition.
Hereditary cancer-predisposing syndrome. Also called: Tumor predisposition; Neoplastic Syndromes, Hereditary; Hereditary Cancer Syndrome; Hereditary neoplastic syndrome. Identifiers: Orphanet 140162, MedGen C0027672, MeSH D009386, MONDO:0015356.
Tuberous sclerosis syndrome (TSC). Also called: Tuberous Sclerosis Complex; Tuberous sclerosis. Identifiers: Orphanet 805, MedGen C0041341, MONDO:0001734.
Isolated focal cortical dysplasia type II (FCORD2). Also called: CORTICAL DYSPLASIA OF TAYLOR; Focal cortical dysplasia type II. Identifiers: Orphanet 268994, MedGen C1846385, MONDO:0011818, OMIM 607341, HP:0032051.
Tuberous sclerosis 2 (TSC2). Identifiers: Orphanet 805, MedGen C1860707, MONDO:0013199, OMIM 613254.

Allele frequency attached by ClinVar (database versions not stated): gnomAD 0.00001; TOPMed 0.00001.

Submissions (8):

Labcorp Genetics (formerly Invitae), Labcorp
Classification: Benign for Tuberous sclerosis 2. Last evaluated: 2025-11-11. Review status: criteria provided, single submitter. Criteria: Invitae Variant Classification Sherloc (09022015). Collection method: clinical testing. Allele origin: germline.

Color Diagnostics, LLC DBA Color Health
Classification: Uncertain significance for Tuberous sclerosis syndrome. Last evaluated: 2025-05-21. Review status: criteria provided, single submitter. Criteria: ACMG Guidelines, 2015. Collection method: clinical testing. Allele origin: germline.
Comment: This missense variant replaces methionine with valine at codon 1131 of the TSC2 protein. Computational prediction is inconclusive regarding the impact of this variant on protein structure and function. To our knowledge, functional studies have not been reported for this variant. This variant has not been reported in individuals affected with TSC2-related disorders in the literature. This variant has been identified in 1/206530 chromosomes in the general population by the Genome Aggregation Database (gnomAD). The available evidence is insufficient to determine the role of this variant in disease conclusively. Therefore, this variant is classified as a Variant of Uncertain Significance.

Ambry Genetics
Classification: Likely benign for Hereditary cancer-predisposing syndrome. Last evaluated: 2024-02-14. Review status: criteria provided, single submitter. Criteria: Ambry Variant Classification Scheme 2023. Collection method: clinical testing. Allele origin: germline.

All of Us Research Program, National Institutes of Health
Classification: Uncertain significance for Tuberous sclerosis syndrome. Last evaluated: 2024-01-11. Review status: criteria provided, single submitter. Criteria: ACMG Guidelines, 2015. Collection method: clinical testing. Allele origin: germline. Inheritance: Autosomal dominant inheritance. Observed: 5 variant alleles, 5 heterozygotes.
Comment: This missense variant replaces methionine with valine at codon 1131 of the TSC2 protein. Computational prediction is inconclusive regarding the impact of this variant on protein structure and function (internally defined REVEL score threshold 0.5 < inconclusive < 0.7, PMID: 27666373). To our knowledge, functional studies have not been reported for this variant. This variant has not been reported in individuals affected with TSC2-related disorders in the literature. This variant has been identified in 1/206530 chromosomes in the general population by the Genome Aggregation Database (gnomAD). The available evidence is insufficient to determine the role of this variant in disease conclusively. Therefore, this variant is classified as a Variant of Uncertain Significance.

This study involves interpretation of variants in research participants for the purpose of population health screening. Participant phenotype was not available at the time of variant classification. Additional details can be found in publication PMID: 35346344, PMCID: PMC8962531

Baylor Genetics
Classification: Uncertain significance for Isolated focal cortical dysplasia type II. Last evaluated: 2023-05-26. Review status: criteria provided, single submitter. Criteria: ACMG Guidelines, 2015. Collection method: clinical testing. Allele origin: unknown.

Genome-Nilou Lab
Classification: Likely benign for Tuberous sclerosis 2. Last evaluated: 2021-11-07. Review status: criteria provided, single submitter. Criteria: ACMG Guidelines, 2015. Collection method: clinical testing. Allele origin: germline. Affected: no.

Sema4
Classification: Uncertain significance for Hereditary cancer-predisposing syndrome. Last evaluated: 2021-09-18. Review status: criteria provided, single submitter. Criteria: Sema4 Curation Guidelines. Collection method: curation. Allele origin: germline.
Comment: The TSC2 c.3391A>G (p.M1131V) variant has not been reported in the literature to our knowledge. It was observed in 1/206530 chromosomes across all populations in the large and broad cohorts of the Genome Aggregation Database (PMID: 32461654). The variant has been reported in ClinVar (Variation ID: 406099). Functional studies have not been performed, and in silico predictions of the variant's effect on protein function are inconclusive. The evidence is insufficient to meet ACMG/AMP criteria for classifying the variant as benign or pathogenic. Thus, the clinical significance of this variant is currently uncertain.

GeneDx
Classification: Uncertain significance. Last evaluated: 2021-05-24. Review status: criteria provided, single submitter. Criteria: GeneDx Variant Classification Process June 2021. Collection method: clinical testing. Allele origin: germline. Affected: yes.
Comment: In silico analysis supports that this missense variant does not alter protein structure/function; Has not been previously published as pathogenic or benign to our knowledge